The following is an entry in ClinVar:

NC_000010.10:g.(?_68526002)_(68526194_?)del

Gene: CTNNA3 (catenin alpha 3; minus strand). Cytogenetic location: 10q21.3.
Variant type: Deletion.
Identifiers: ClinVar variation 3244910 (VCV003244910.1).

ClinVar aggregate classification (germline): Uncertain significance (1 of 4 stars; one submission).

Conditions:
Arrhythmogenic right ventricular dysplasia 13. Also called: ARRHYTHMOGENIC RIGHT VENTRICULAR CARDIOMYOPATHY 13; Arrhythmogenic right ventricular dysplasia, familial, 13. Identifiers: MedGen C3810138, MONDO:0000908, OMIM 615616.

Submission:

Labcorp Genetics (formerly Invitae), Labcorp
Classification: Uncertain significance for Arrhythmogenic right ventricular dysplasia 13. Last evaluated: 2023-03-20. Review status: criteria provided, single submitter. Criteria: Invitae Variant Classification Sherloc (09022015). Collection method: clinical testing. Allele origin: unknown.
Comment: In summary, the available evidence is currently insufficient to determine the role of this variant in disease. Therefore, it has been classified as a Variant of Uncertain Significance. Experimental studies and prediction algorithms are not available or were not evaluated, and the functional significance of this variant is currently unknown. This variant has not been reported in the literature in individuals affected with CTNNA3-related conditions. This variant is a gross deletion of the genomic region encompassing exon(s) 9 of the CTNNA3 gene. This variant would be expected to be in-frame, preserving the integrity of the reading frame.